The following is an entry in ClinVar:

ClinVar aggregate classification (germline): Pathogenic (1 of 4 stars; one submission).

Conditions:
Osteogenesis imperfecta type I (OI1). Also called: Lobstein's Disease; Classic Non-deforming Osteogenesis Imperfecta with Blue Sclerae; Lobstein disease; OI, TYPE I; OSTEOGENESIS IMPERFECTA TARDA; OSTEOGENESIS IMPERFECTA WITH BLUE SCLERAE. Identifiers: Orphanet 216796, Orphanet 666, MedGen C0023931, MONDO:0008146, OMIM 166200. Disease mechanism: loss of function.

Submission:

Labcorp Genetics (formerly Invitae), Labcorp
Classification: Pathogenic for Osteogenesis imperfecta type I. Last evaluated: 2023-12-18. Review status: criteria provided, single submitter. Criteria: Invitae Variant Classification Sherloc (09022015). Collection method: clinical testing. Allele origin: germline.
Comment: This sequence change affects an acceptor splice site in intron 6 of the COL1A1 gene. It is expected to disrupt RNA splicing. Variants that disrupt the donor or acceptor splice site typically lead to a loss of protein function (PMID: 16199547), and loss-of-function variants in COL1A1 are known to be pathogenic (PMID: 7942841, 9295084, 9443882). This variant is not present in population databases (gnomAD no frequency). Disruption of this splice site has been observed in individual(s) with osteogenesis imperfecta (PMID: 34964960). In at least one individual the variant was observed to be de novo. Algorithms developed to predict the effect of sequence changes on RNA splicing suggest that this variant may disrupt the consensus splice site. For these reasons, this variant has been classified as Pathogenic.

Literature cited by the submitters: PubMed 16199547; PubMed 7942841; PubMed 9295084; PubMed 9443882; PubMed 34964960.

NM_000088.4(COL1A1):c.544-2A>G

Gene: COL1A1 (collagen type I alpha 1 chain; minus strand). Cytogenetic location: 17q21.33.
Variant type: single nucleotide variant.
Coding change: c.544-2A>G on transcript NM_000088.4 (MANE Select); the canonical splice acceptor site of the intron before coding-DNA position 544, A replaced by G.
Molecular consequence: splice acceptor variant.
Genome position (GRCh38, 1-based): chr17:50,198,207, T>C on the plus strand (A>G on the coding strand, the complement: COL1A1 is on the minus strand). VCF-style: chr17-50198207-T-C. GRCh37 (hg19) VCF-style: chr17-48275568-T-C.
Identifiers: ClinVar variation 2859973 (VCV002859973.3), dbSNP rs2509248369, ClinGen allele CA400225795.